The following is an entry in ClinVar:

ClinVar aggregate classification (germline): Uncertain significance (1 of 4 stars; one submission).

Submission:

GeneDx
Classification: Uncertain significance. Last evaluated: 2023-05-03. Review status: criteria provided, single submitter. Criteria: GeneDx Variant Classification Process June 2021. Collection method: clinical testing. Allele origin: germline. Affected: yes.
Comment: Not observed at significant frequency in large population cohorts (gnomAD); In silico analysis supports that this missense variant has a deleterious effect on protein structure/function; Has not been previously published as pathogenic or benign to our knowledge

NM_002025.4(AFF2):c.3220T>C (p.Tyr1074His)

Gene: AFF2 (ALF transcription elongation factor 2; plus strand). Cytogenetic location: Xq28.
Variant type: single nucleotide variant.
Coding change: c.3220T>C on transcript NM_002025.4 (MANE Select); coding-DNA position 3220, T replaced by C.
Protein change: p.Tyr1074His; replaces tyrosine 1074 with histidine.
Molecular consequence: missense variant.
Genome position (GRCh38, 1-based): chrX:148,967,645, T>C. VCF-style: chrX-148967645-T-C. GRCh37 (hg19) VCF-style: chrX-148049175-T-C.
Other names: c.3115T>C, p.Tyr1039His (NM_001169122.2, NM_001169124.2); c.3190T>C, p.Tyr1064His (NM_001169123.2); c.3103T>C, p.Tyr1035His (NM_001169125.2); c.2143T>C, p.Tyr715His (NM_001170628.1); short protein forms Y1035H, Y1039H, Y1064H, Y1074H, Y715H.
Identifiers: ClinVar variation 2501306 (VCV002501306.1), dbSNP rs2521935767, ClinGen allele CA414512554.
Genomic context (GRCh38, chrX:148,967,645, plus strand): 5'-AGATGAAGCATTGGTTTCTGAAAGAGCTTGTTTTGTTTATTTAGGGTTCACAATGCTGAT[T>C]ATTACATGCAAGAAGCTAAGAAGCTGAAGCACAAAGCTGATGCACTGGTAAGTTTCCTTT-3'
Protein context (NP_002016.2, residues 1064-1084): TFDDSVHNAD[Tyr1074His]YMQEAKKLKH